The following is an entry in ClinVar:

NM_021044.4(DHH):c.213C>T (p.Ser71=)

Genes: DHH (desert hedgehog signaling molecule; minus strand), DHH-AS1 (DHH antisense RNA 1; plus strand). Cytogenetic location: 12q13.12.
Variant type: single nucleotide variant.
Coding change: c.213C>T on transcript NM_021044.4 (MANE Select); coding-DNA position 213, C replaced by T.
Protein change: p.Ser71=; no amino-acid change (serine 71 retained).
Molecular consequence: synonymous variant.
Genome position (GRCh38, 1-based): chr12:49,094,300, G>A on the plus strand (C>T on the coding strand, the complement: DHH is on the minus strand). VCF-style: chr12-49094300-G-A. GRCh37 (hg19) VCF-style: chr12-49488083-G-A.
Identifiers: ClinVar variation 3049941 (VCV003049941.3), dbSNP rs570786183, ClinGen allele CA6549233.
Genomic context (GRCh38, chr12:49,094,300, plus strand): 5'-CTCCTCATCCTTGAAGATGATGTCGGGGTTGTAGTTGGGCACGAGGTCCCGGAAGCGCTC[G>A]GAGCCCCTTGCCACCCTCCCCTCCGCTGGCCCACTGGCGCCCAGGGTCCGCTCTGGCACG-3'
Protein context (NP_066382.1, residues 61-81): GPAEGRVARG[Ser71=]ERFRDLVPNY

ClinVar aggregate classification (germline): Likely benign. Review status: criteria provided, single submitter (1 of 4 stars). 2 submissions from 2 submitters: Likely benign (1). 1 of the submissions does not count toward it. Last evaluated 2024-07-10.

Conditions:
DHH-related disorder. Also called: DHH-related condition.

Allele frequency attached by ClinVar (database versions not stated): gnomAD exomes below 0.00001; ExAC 0.00003; gnomAD 0.00003; 1000 Genomes Project 0.00020; 1000 Genomes Project 30x 0.00031.

Submissions (2):

Blueprint Genetics
Classification: Likely benign. Last evaluated: 2024-07-10. Review status: criteria provided, single submitter. Criteria: ACMG Guidelines, 2015. Collection method: clinical testing. Allele origin: germline.

PreventionGenetics, part of Exact Sciences
Classification: Likely benign for DHH-related condition. Last evaluated: 2019-07-11. Review status: no assertion criteria provided. Collection method: clinical testing. Allele origin: germline. Not counted in ClinVar's aggregate classification.
Comment: This variant is classified as likely benign based on ACMG/AMP sequence variant interpretation guidelines (Richards et al. 2015 PMID: 25741868, with internal and published modifications).